The following is an entry in ClinVar:

ClinVar aggregate classification (germline): Uncertain significance. Review status: criteria provided, multiple submitters, no conflicts (2 of 4 stars). 2 submissions from 2 submitters: Uncertain significance (2). Last evaluated 2023-11-11.

Conditions:
Hereditary cancer-predisposing syndrome. Also called: Tumor predisposition; Hereditary neoplastic syndrome; Neoplastic Syndromes, Hereditary; Hereditary Cancer Syndrome. Identifiers: Orphanet 140162, MedGen C0027672, MeSH D009386, MONDO:0015356.
Bloom syndrome (BLM). Also called: Bloom-Torre-Machacek syndrome. Identifiers: Orphanet 125, MedGen C0005859, MONDO:0008876, OMIM 210900.

Submissions (2):

Labcorp Genetics (formerly Invitae), Labcorp
Classification: Uncertain significance for Bloom syndrome. Last evaluated: 2023-11-11. Review status: criteria provided, single submitter. Criteria: Invitae Variant Classification Sherloc (09022015). Collection method: clinical testing. Allele origin: germline.
Comment: This variant, c.4060_4062del, results in the deletion of 1 amino acid(s) of the BLM protein (p.Gly1354del), but otherwise preserves the integrity of the reading frame. This variant is not present in population databases (gnomAD no frequency). This variant has not been reported in the literature in individuals affected with BLM-related conditions. ClinVar contains an entry for this variant (Variation ID: 1498471). Experimental studies and prediction algorithms are not available or were not evaluated, and the functional significance of this variant is currently unknown. In summary, the available evidence is currently insufficient to determine the role of this variant in disease. Therefore, it has been classified as a Variant of Uncertain Significance.

Ambry Genetics
Classification: Uncertain significance for Hereditary cancer-predisposing syndrome. Last evaluated: 2021-11-29. Review status: criteria provided, single submitter. Criteria: Ambry Variant Classification Scheme 2023. Collection method: clinical testing. Allele origin: germline.
Comment: The c.4060_4062delGGT variant (also known as p.G1354del) is located in coding exon 20 of the BLM gene. This variant results from an in-frame GGT deletion at nucleotide positions 4060 to 4062. This results in the in-frame deletion of a glycine at codon 1354. This amino acid position is not well conserved in available vertebrate species. In addition, the in silico prediction for this alteration is inconclusive (Choi Y et al. PLoS ONE. 2012; 7(10):e46688). Since supporting evidence is limited at this time, the clinical significance of this alteration remains unclear.

NM_000057.4(BLM):c.4060_4062del (p.Gly1354del)

Gene: BLM (BLM RecQ like helicase; plus strand). Cytogenetic location: 15q26.1.
Variant type: Deletion.
Coding change: c.4060_4062del on transcript NM_000057.4 (MANE Select); coding-DNA positions 4060 to 4062, 3 bases deleted (GGT; older notation c.4060_4062delGGT).
Protein change: p.Gly1354del; deletes glycine 1354.
Molecular consequence: inframe deletion.
Genome position (GRCh38, 1-based): chr15:90,811,390-90,811,392, GGT deleted; deleting any 3 consecutive bases within chr15:90,811,388-90,811,392 gives the same sequence; the c. name uses the placement nearest the transcript's 3' end. VCF-style (leftmost placement, unchanged base first): chr15-90811387-AGTG-A. GRCh37 (hg19) VCF-style: chr15-91354617-AGTG-A.
Other names: c.4060_4062del, p.Gly1354del (NM_001287246.2); c.3667_3669del, p.Gly1223del (NM_001287247.2); c.2935_2937del, p.Gly979del (NM_001287248.2); short protein forms G979del, G1354del, G1223del.
Identifiers: ClinVar variation 1498471 (VCV001498471.11), dbSNP rs2151200003, ClinGen allele CA2573151462.